The following is an entry in ClinVar:

ClinVar aggregate classification (germline): Uncertain significance (1 of 4 stars; one submission).

Submission:

Labcorp Genetics (formerly Invitae), Labcorp
Classification: Uncertain significance. Last evaluated: 2025-10-06. Review status: criteria provided, single submitter. Criteria: Invitae Variant Classification Sherloc (09022015). Collection method: clinical testing. Allele origin: germline.
Comment: This sequence change falls in intron 8 of the MPDZ gene. It does not directly change the encoded amino acid sequence of the MPDZ protein. It affects a nucleotide within the consensus splice site. This variant is not present in population databases (gnomAD no frequency). This variant has not been reported in the literature in individuals affected with MPDZ-related conditions. Variants that disrupt the consensus splice site are a relatively common cause of aberrant splicing (PMID: 17576681, 9536098). Algorithms developed to predict the effect of sequence changes on RNA splicing suggest that this variant is not likely to affect RNA splicing. In summary, the available evidence is currently insufficient to determine the role of this variant in disease. Therefore, it has been classified as a Variant of Uncertain Significance.

Literature cited by the submitters: PubMed 17576681; PubMed 9536098.

NM_001378778.1(MPDZ):c.1086+3A>G

Gene: MPDZ (multiple PDZ domain crumbs cell polarity complex component; minus strand). Cytogenetic location: 9p23.
Variant type: single nucleotide variant.
Coding change: c.1086+3A>G on transcript NM_001378778.1 (MANE Select); 3 bases into the intron after coding-DNA position 1086, A replaced by G.
Molecular consequence: intron variant.
Genome position (GRCh38, 1-based): chr9:13,219,556, T>C on the plus strand (A>G on the coding strand, the complement: MPDZ is on the minus strand). VCF-style: chr9-13219556-T-C. GRCh37 (hg19) VCF-style: chr9-13219555-T-C.
Other names: c.1086+3A>G (NM_001375425.1, NM_001375420.1, NM_001375419.1 and 14 more transcripts).
Identifiers: ClinVar variation 4692440 (VCV004692440.1).